The following is an entry in ClinVar:

NM_002878.4(RAD51D):c.826A>C (p.Ile276Leu)

Genes: RAD51L3-RFFL (RAD51L3-RFFL readthrough; minus strand), RAD51D (RAD51 paralog D; minus strand). Cytogenetic location: 17q12.
Variant type: single nucleotide variant.
Coding change: c.826A>C on transcript NM_002878.4 (MANE Select); coding-DNA position 826, A replaced by C.
Protein change: p.Ile276Leu; replaces isoleucine 276 with leucine.
Molecular consequence: missense variant. On other transcripts: non-coding transcript variant (3).
Genome position (GRCh38, 1-based): chr17:35,101,278, T>G on the plus strand (A>C on the coding strand, the complement: RAD51D is on the minus strand). VCF-style: chr17-35101278-T-G. GRCh37 (hg19) VCF-style: chr17-33428297-T-G.
Other names: c.886A>C, p.Ile296Leu (NM_001142571.2); c.490A>C, p.Ile164Leu (NM_133629.3); short protein forms I276L, I164L, I296L.
Identifiers: ClinVar variation 472623 (VCV000472623.19), dbSNP rs1555567119, ClinGen allele CA399086718.

ClinVar aggregate classification (germline): Uncertain significance. Review status: criteria provided, multiple submitters, no conflicts (2 of 4 stars). 4 submissions from 4 submitters: Uncertain significance (4). Last evaluated 2025-12-16.

Conditions:
Breast-ovarian cancer, familial, susceptibility to, 4. Identifiers: Orphanet 145, MedGen C3280345, MONDO:0013669, OMIM 614291.
Hereditary cancer-predisposing syndrome. Also called: Neoplastic Syndromes, Hereditary; Tumor predisposition; Hereditary Cancer Syndrome; Hereditary neoplastic syndrome. Identifiers: Orphanet 140162, MedGen C0027672, MeSH D009386, MONDO:0015356.

Allele frequency attached by ClinVar (database versions not stated): gnomAD exomes below 0.00001.
gnomAD v4.1: 1 of 1,614,074 alleles (0.000062%); highest among the groups gnomAD compares: Non-Finnish European, 0.000085%; no homozygotes.

Submissions (4):

Labcorp Genetics (formerly Invitae), Labcorp
Classification: Uncertain significance for Breast-ovarian cancer, familial, susceptibility to, 4. Last evaluated: 2025-12-16. Review status: criteria provided, single submitter. Criteria: Invitae Variant Classification Sherloc (09022015). Collection method: clinical testing. Allele origin: germline.
Comment: This sequence change replaces isoleucine, which is neutral and non-polar, with leucine, which is neutral and non-polar, at codon 276 of the RAD51D protein (p.Ile276Leu). This variant is not present in population databases (gnomAD no frequency). This variant has not been reported in the literature in individuals affected with RAD51D-related conditions. ClinVar contains an entry for this variant (Variation ID: 472623). Invitae Evidence Modeling of protein sequence and biophysical properties (such as structural, functional, and spatial information, amino acid conservation, physicochemical variation, residue mobility, and thermodynamic stability) indicates that this missense variant is not expected to disrupt RAD51D protein function with a negative predictive value of 80%. In summary, the available evidence is currently insufficient to determine the role of this variant in disease. Therefore, it has been classified as a Variant of Uncertain Significance.

Ambry Genetics
Classification: Uncertain significance for Hereditary cancer-predisposing syndrome. Last evaluated: 2025-08-29. Review status: criteria provided, single submitter. Criteria: Ambry Variant Classification Scheme 2023. Collection method: clinical testing. Allele origin: germline.
Comment: The p.I276L variant (also known as c.826A>C), located in coding exon 9 of the RAD51D gene, results from an A to C substitution at nucleotide position 826. The isoleucine at codon 276 is replaced by leucine, an amino acid with highly similar properties. This amino acid position is not well conserved in available vertebrate species. In addition, this alteration is predicted to be tolerated by in silico analysis. Since supporting evidence is limited at this time, the clinical significance of this alteration remains unclear.

Color Diagnostics, LLC DBA Color Health
Classification: Uncertain significance for Hereditary cancer-predisposing syndrome. Last evaluated: 2023-12-04. Review status: criteria provided, single submitter. Criteria: ACMG Guidelines, 2015. Collection method: clinical testing. Allele origin: germline.
Comment: This missense variant replaces isoleucine with leucine at codon 276 of the RAD51D protein. Computational prediction suggests that this variant may not impact protein structure and function (internally defined REVEL score threshold <= 0.5, PMID: 27666373). To our knowledge, functional studies have not been reported for this variant. This variant has not been reported in individuals affected with RAD51D-related disorders in the literature. This variant has not been identified in the general population by the Genome Aggregation Database (gnomAD). The available evidence is insufficient to determine the role of this variant in disease conclusively. Therefore, this variant is classified as a Variant of Uncertain Significance.

GeneDx
Classification: Uncertain significance. Last evaluated: 2023-08-25. Review status: criteria provided, single submitter. Criteria: GeneDx Variant Classification Process June 2021. Collection method: clinical testing. Allele origin: germline. Affected: yes.
Comment: Not observed at significant frequency in large population cohorts (gnomAD); In silico analysis supports that this missense variant does not alter protein structure/function; Has not been previously published as pathogenic or benign to our knowledge; This variant is associated with the following publications: (PMID: 21111057, 14704354, 19327148)